The following is an entry in ClinVar:

NM_001999.4(FBN2):c.835G>A (p.Glu279Lys)

Gene: FBN2 (fibrillin 2; minus strand). Cytogenetic location: 5q23.3.
Variant type: single nucleotide variant.
Coding change: c.835G>A on transcript NM_001999.4 (MANE Select); coding-DNA position 835, G replaced by A.
Protein change: p.Glu279Lys; replaces glutamic acid 279 with lysine.
Molecular consequence: missense variant.
Genome position (GRCh38, 1-based): chr5:128,446,598, C>T on the plus strand (G>A on the coding strand, the complement: FBN2 is on the minus strand). VCF-style: chr5-128446598-C-T. GRCh37 (hg19) VCF-style: chr5-127782291-C-T.
Other names: short protein forms E279K.
Identifiers: ClinVar variation 1328545 (VCV001328545.4), dbSNP rs2127056955, ClinGen allele CA360752142.

ClinVar aggregate classification (germline): Uncertain significance (1 of 4 stars; one submission).

Conditions:
Congenital contractural arachnodactyly (CCA). Also called: Beals-Hecht syndrome; BEALS SYNDROME; Arthrogryposis, distal, type 9. Identifiers: Orphanet 115, MedGen C0220668, MONDO:0007363, OMIM 121050.

Submission:

Illumina Laboratory Services, Illumina
Classification: Uncertain significance for Congenital contractural arachnodactyly. Last evaluated: 2021-05-21. Review status: criteria provided, single submitter. Criteria: ICSLVariantClassificationCriteria RUGD 01 April 2020. Collection method: clinical testing. Allele origin: unknown.
Comment: The FBN2 c.835G>A (p.Glu279Lys) variant is a missense variant. A literature search was performed for the gene, cDNA change, and amino acid change. No publications were found based on this search. This variant is not found in the Genome Aggregation Database version 2.1.1 or version 3.1.1 in a region of good sequence coverage, so the variant is presumed to be rare. Based on the limited evidence, the p.Glu279Lys variant is classified as a variant of uncertain significance for congenital contractural arachnodactyly.